The following is an entry in ClinVar:

ClinVar aggregate classification (germline): Pathogenic/Likely pathogenic. Review status: criteria provided, multiple submitters, no conflicts (2 of 4 stars). 9 submissions from 9 submitters: Pathogenic (6); Likely pathogenic (3). Last evaluated 2025-06-13.

Conditions:
Bilateral congenital or childhood onset cataracts.
Cataract 3 multiple types. Also called: CATARACT 3, MULTIPLE TYPES, WITH OR WITHOUT MICROCORNEA. Identifiers: Orphanet 1377, MedGen C1832175, MONDO:0011104, OMIM 601547.
CRYBB2-related disorder. Also called: CRYBB2-related condition.

Submissions (9):

Labcorp Genetics (formerly Invitae), Labcorp
Classification: Pathogenic for Cataract 3 multiple types. Last evaluated: 2025-06-13. Review status: criteria provided, single submitter. Criteria: Invitae Variant Classification Sherloc (09022015). Collection method: clinical testing. Allele origin: germline.
Comment: This sequence change replaces arginine, which is basic and polar, with cysteine, which is neutral and slightly polar, at codon 188 of the CRYBB2 protein (p.Arg188Cys). This variant is not present in population databases (gnomAD no frequency). This missense change has been observed in individual(s) with congenital cataracts (PMID: 34722561). In at least one individual the variant was observed to be de novo. It has also been observed to segregate with disease in related individuals. ClinVar contains an entry for this variant (Variation ID: 1210294). An algorithm developed to predict the effect of missense changes on protein structure and function (PolyPhen-2) suggests that this variant is likely to be disruptive. This variant disrupts the p.Arg188 amino acid residue in CRYBB2. Other variant(s) that disrupt this residue have been determined to be pathogenic (PMID: 22312185, 24120835, 24704203, 32498547). This suggests that this residue is clinically significant, and that variants that disrupt this residue are likely to be disease-causing. For these reasons, this variant has been classified as Pathogenic.

PreventionGenetics, part of Exact Sciences
Classification: Pathogenic for CRYBB2-related condition. Last evaluated: 2025-05-09. Review status: criteria provided, single submitter. Criteria: ACMG Guidelines, 2015. Collection method: clinical testing. Allele origin: germline.
Comment: The CRYBB2 c.562C>T variant is predicted to result in the amino acid substitution p.Arg188Cys. This variant was reported to segregate in multiple families with cataracts (Family 4, Yu et al 2021. PubMed ID: 33594837; Families CC1, CC2, and CC3 in Wang X et al 2021. PubMed ID: 34722561). This variant has not been reported in a large population database (gnomAD), indicating this variant is rare. In addition, other variants impacting the same amino acid residue (p.Arg188His and p.Arg188Leu) have also been reported in patients with cataracts (Weisschuh et al. 2012. PubMed ID: 22312185; Javadiyan. 2017. PubMed ID: 28839118). This variant is interpreted as pathogenic.

North West Genomic Laboratory Hub, Manchester University NHS Foundation Trust
Classification: Pathogenic for Bilateral congenital or childhood onset cataracts. Last evaluated: 2025-01-23. Review status: criteria provided, single submitter. Criteria: ACGS Best Practice Guidelines for Variant Classification in Rare Disease 2024. Collection method: clinical testing. Allele origin: germline. Affected: yes.
Comment: PP1_Str PP3_Supp PM5_Mod PS4_Mod PS2_Str PM2_Mod

GeneDx
Classification: Pathogenic. Last evaluated: 2024-06-12. Review status: criteria provided, single submitter. Criteria: GeneDx Variant Classification Process June 2021. Collection method: clinical testing. Allele origin: germline. Affected: yes.
Comment: Not observed at significant frequency in large population cohorts (gnomAD); In silico analysis supports that this missense variant has a deleterious effect on protein structure/function; This variant is associated with the following publications: (PMID: 33594837, 34722561, 38216115, 24120835, 22312185, 32498547)

Dept. Genetics and Cancer, Menzies Institute for Medical Research, University of Tasmania
Classification: Likely pathogenic for Cataract 3 multiple types. Last evaluated: 2024-05-22. Review status: criteria provided, single submitter. Criteria: ACMG Guidelines, 2015. Collection method: research. Allele origin: germline. Affected: yes. Observed: 1 variant allele.
Comment: CRYBB2 NM_000496.3:c.562C>T p.(Arg188Cys). ACMG-AMP criteria: PM2_Supp, PP3_Mod, PP1, PS4_Supp, PM5_Supp. Absent from population databases (gnomad v4.0), Multiple lines of computational evidence suggest a deleterious effect (REVEL=0.79), multiple segregations reported (PMID:33594837;PMID:34722561), Reported in multiple unrelated probands (PMID:33594837;PMID:34722561 and this study), Other pathogenic variant reported at this residue c.563G>A p.(Arg188His) (PMID:22312185;PMID:32498547).

Blueprint Genetics
Classification: Pathogenic for CRYBB2-related disorders. Last evaluated: 2023-11-30. Review status: criteria provided, single submitter. Criteria: ACMG Guidelines, 2015. Collection method: clinical testing. Allele origin: de novo. Affected: yes. Observed: 2 variant alleles.

CeGaT Center for Human Genetics Tuebingen
Classification: Pathogenic. Last evaluated: 2021-12-01. Review status: criteria provided, single submitter. Criteria: CeGaT Center For Human Genetics Tuebingen Variant Classification Criteria Version 2. Collection method: clinical testing. Allele origin: germline. Affected: yes. Observed: 1 variant allele.

Institute of Human Genetics, University of Goettingen
Classification: Likely pathogenic for Cataract 3 multiple types. Last evaluated: 2021-08-27. Review status: criteria provided, single submitter. Criteria: ACMG Guidelines, 2015. Collection method: clinical testing. Allele origin: unknown. Inheritance: Autosomal dominant inheritance. Affected: yes. Observed: 1 variant allele, 1 heterozygote.
Comment: The variant c.562C>T (p.(Arg188Cys)) in exon 6 of the CRYBB2-gene is not found in the gnomAD database, it affects a weakly conserved nucleotide, a highly conserved amino acid within a protein domain and there is a large physicochemical difference between Arg and Cys. This variant has a pathogenic computational verdict based on 11 pathogenic predictions from BayesDel_addAF, DANN, DEOGEN2, EIGEN, FATHMM-MKL, LIST-S2, M-CAP, MutationAssessor, MutationTaster, PolyPhen-2 and SIFT vs 2 benign predictions from MVP and PrimateAI. This variant was already described within the literature (PMID: 33594837). Also p.Arg188Cys is a missense mutation at an amino acid residue where two different missense changes determined to be pathogenic have been seen before (p.Arg188His und Arg188Leu; PMID: 28839118, 22312185). ACMG criteria used for classification: PM2, PM5, PP2, PP3.

Juno Genomics, Hangzhou Juno Genomics, Inc
Classification: Likely pathogenic for Cataract 3 multiple types. Review status: criteria provided, single submitter. Criteria: ACMG Guidelines, 2015. Collection method: clinical testing. Allele origin: germline. Affected: yes.
Comment: Absent from controls (or at extremely low frequency if recessive) in Genome Aggregation Database, Exome Sequencing Project, 1000 Genomes Project, or Exome Aggregation Consortium.;The prevalence of the variant in affected individuals is significantly increased compared to the prevalence in controls.;Co-segregation with disease in multiple affected family members in a gene definitively known to cause the disease.;Novel missense change at an amino acid residue where a different missense change determined to be pathogenic has been seen before.;Patient's phenotype or family history is highly specific for a disease with a single genetic etiology.;Multiple lines of computational evidence support a deleterious effect on the gene or gene product (conservation, evolutionary, splicing impact, etc).

Literature cited by the submitters: PubMed 34722561 (cited by Labcorp Genetics (formerly Invitae), Labcorp); PubMed 22312185 (cited by Labcorp Genetics (formerly Invitae), Labcorp); PubMed 24120835 (cited by Labcorp Genetics (formerly Invitae), Labcorp); PubMed 24704203 (cited by Labcorp Genetics (formerly Invitae), Labcorp); PubMed 32498547 (cited by Labcorp Genetics (formerly Invitae), Labcorp); PubMed 33594837 (cited by Institute of Human Genetics, University of Goettingen).

NM_000496.3(CRYBB2):c.562C>T (p.Arg188Cys)

Gene: CRYBB2 (crystallin beta B2; plus strand). Cytogenetic location: 22q11.23.
Variant type: single nucleotide variant.
Coding change: c.562C>T on transcript NM_000496.3 (MANE Select); coding-DNA position 562, C replaced by T.
Protein change: p.Arg188Cys; replaces arginine 188 with cysteine.
Molecular consequence: missense variant.
Genome position (GRCh38, 1-based): chr22:25,231,716, C>T. VCF-style: chr22-25231716-C-T. GRCh37 (hg19) VCF-style: chr22-25627683-C-T.
Other names: c.562C>T (NM_000496.2); short protein forms R188C.
Identifiers: ClinVar variation 1210294 (VCV001210294.54), dbSNP rs2146095454, ClinGen allele CA410988374.